The following is an entry in ClinVar:

ClinVar aggregate classification (germline): Pathogenic/Likely pathogenic. Review status: criteria provided, multiple submitters, no conflicts (2 of 4 stars). 2 submissions from 2 submitters: Pathogenic (1); Likely pathogenic (1). Last evaluated 2025-01-20.

Conditions:
Hereditary cancer-predisposing syndrome. Also called: Tumor predisposition; Hereditary neoplastic syndrome; Hereditary Cancer Syndrome; Neoplastic Syndromes, Hereditary. Identifiers: Orphanet 140162, MedGen C0027672, MeSH D009386, MONDO:0015356.
Nijmegen breakage syndrome-like disorder (NBSLD). Also called: MICROCEPHALY AND SPONTANEOUS CHROMOSOME INSTABILITY WITHOUT IMMUNODEFICIENCY; NBS-LIKE DISORDER; RAD50 DEFICIENCY. Identifiers: Orphanet 240760, MedGen C2751318, MONDO:0013118, OMIM 613078.

Submissions (2):

First Genomix Gene Laboratory, Genetic Diagnostics Department
Classification: Likely pathogenic for Nijmegen breakage syndrome-like disorder. Last evaluated: 2025-01-20. Review status: criteria provided, single submitter. Criteria: ACMG Guidelines, 2015. Collection method: clinical testing. Allele origin: germline. Inheritance: Autosomal recessive inheritance. Affected: no. Observed: 1 variant allele.

Labcorp Genetics (formerly Invitae), Labcorp
Classification: Pathogenic for Hereditary cancer-predisposing syndrome. Last evaluated: 2023-02-02. Review status: criteria provided, single submitter. Criteria: Invitae Variant Classification Sherloc (09022015). Collection method: clinical testing. Allele origin: germline.
Comment: For these reasons, this variant has been classified as Pathogenic. ClinVar contains an entry for this variant (Variation ID: 1410757). This variant has not been reported in the literature in individuals affected with RAD50-related conditions. This variant is not present in population databases (gnomAD no frequency). This sequence change creates a premature translational stop signal (p.Leu457Argfs*4) in the RAD50 gene. It is expected to result in an absent or disrupted protein product. Loss-of-function variants in RAD50 are known to be pathogenic (PMID: 19409520).

Literature cited by the submitters: PubMed 19409520 (cited by Labcorp Genetics (formerly Invitae), Labcorp).

NM_005732.4(RAD50):c.1370del (p.Leu457fs)

Gene: RAD50 (RAD50 double strand break repair protein; plus strand). Cytogenetic location: 5q31.1.
Variant type: Deletion.
Coding change: c.1370del on transcript NM_005732.4 (MANE Select); coding-DNA position 1370, one base deleted (T; older notation c.1370delT).
Protein change: p.Leu457fs; shifts the reading frame from leucine 457.
Molecular consequence: frameshift variant.
Genome position (GRCh38, 1-based): chr5:132,589,755, T deleted. VCF-style (leftmost placement, unchanged base first): chr5-132589754-CT-C. GRCh37 (hg19) VCF-style: chr5-131925446-CT-C.
Other names: c.1370delT (NM_005732.3); short protein forms L457fs.
Identifiers: ClinVar variation 1410757 (VCV001410757.7), dbSNP rs2149841530, ClinGen allele CA2573138974.